The following is an entry in ClinVar:

NM_012414.4(RAB3GAP2):c.303G>A (p.Val101=)

Gene: RAB3GAP2 (RAB3 GTPase activating non-catalytic protein subunit 2; minus strand). Cytogenetic location: 1q41.
Variant type: single nucleotide variant.
Coding change: c.303G>A on transcript NM_012414.4 (MANE Select); coding-DNA position 303, G replaced by A.
Protein change: p.Val101=; no amino-acid change (valine 101 retained).
Molecular consequence: synonymous variant.
Genome position (GRCh38, 1-based): chr1:220,213,857, C>T on the plus strand (G>A on the coding strand, the complement: RAB3GAP2 is on the minus strand). VCF-style: chr1-220213857-C-T. GRCh37 (hg19) VCF-style: chr1-220387199-C-T.
Identifiers: ClinVar variation 2019320 (VCV002019320.4), dbSNP rs2528727181, ClinGen allele CA423210449.

ClinVar aggregate classification (germline): Uncertain significance (1 of 4 stars; one submission).

Conditions:
Martsolf syndrome (MARTS). Also called: Congenital cataract with intellectual disability and hypogonadotropic hypogonadism syndrome. Identifiers: Orphanet 1387, MedGen C0796037, MONDO:0023910.
Warburg micro syndrome 2 (WARBM2). Also called: MICRO SYNDROME 2. Identifiers: Orphanet 2510, MedGen C3280214, MONDO:0013641, OMIM 614225.

Submission:

Labcorp Genetics (formerly Invitae), Labcorp
Classification: Uncertain significance for Martsolf syndrome; Warburg micro syndrome 2. Last evaluated: 2022-07-23. Review status: criteria provided, single submitter. Criteria: Invitae Variant Classification Sherloc (09022015). Collection method: clinical testing. Allele origin: germline.
Comment: This sequence change affects codon 101 of the RAB3GAP2 mRNA. It is a 'silent' change, meaning that it does not change the encoded amino acid sequence of the RAB3GAP2 protein. It affects a nucleotide within the consensus splice site. This variant is not present in population databases (gnomAD no frequency). This variant has not been reported in the literature in individuals affected with RAB3GAP2-related conditions. Algorithms developed to predict the effect of sequence changes on RNA splicing suggest that this variant may create or strengthen a splice site. In summary, the available evidence is currently insufficient to determine the role of this variant in disease. Therefore, it has been classified as a Variant of Uncertain Significance.